The following is an entry in ClinVar:

NM_001127222.2(CACNA1A):c.5509G>A (p.Glu1837Lys)

Gene: CACNA1A (calcium voltage-gated channel subunit alpha1 A; minus strand). Cytogenetic location: 19p13.13.
Variant type: single nucleotide variant.
Coding change: c.5509G>A on transcript NM_001127222.2 (MANE Select); coding-DNA position 5509, G replaced by A.
Protein change: p.Glu1837Lys; replaces glutamic acid 1837 with lysine.
Molecular consequence: missense variant.
Genome position (GRCh38, 1-based): chr19:13,230,101, C>T on the plus strand (G>A on the coding strand, the complement: CACNA1A is on the minus strand). VCF-style: chr19-13230101-C-T. GRCh37 (hg19) VCF-style: chr19-13340915-C-T.
Other names: c.5527G>A, p.Glu1843Lys (NM_000068.4, NM_023035.3); c.5512G>A, p.Glu1838Lys (NM_001127221.2); c.5518G>A, p.Glu1840Lys (NM_001174080.2); short protein forms E1837K, E1838K, E1840K, E1843K.
Identifiers: ClinVar variation 842950 (VCV000842950.10), dbSNP rs1408989522, ClinGen allele CA404333319.
Genomic context (GRCh38, chr19:13,230,101, plus strand): 5'-AGGTGAGTATTGTGGCTGGAGGATTCGGGGTGACTTCTTACCAAGCTGCGGGGTCATACT[C>T]GGCCCAGACACGCACGTACTCATCCAGGTGGTGGGGGCCCAGGATGGAGGAGTCTCGGGT-3'
Protein context (NP_001120694.1, residues 1827-1847): HLDEYVRVWA[Glu1837Lys]YDPAAWGRMP

ClinVar aggregate classification (germline): Uncertain significance (1 of 4 stars; one submission).

Conditions:
Episodic ataxia type 2 (EA2). Also called: ACETAZOLAMIDE-RESPONSIVE HEREDITARY PAROXYSMAL CEREBELLAR ATAXIA; ATAXIA, EPISODIC, WITH NYSTAGMUS; ATAXIA, FAMILIAL PAROXYSMAL; CEREBELLAR ATAXIA, PAROXYSMAL, ACETAZOLAMIDE-RESPONSIVE; CEREBELLOPATHY, HEREDITARY PAROXYSMAL; EPISODIC ATAXIA, NYSTAGMUS-ASSOCIATED. Identifiers: Orphanet 97, MedGen C1720416, MONDO:0007163, OMIM 108500.
Developmental and epileptic encephalopathy, 42 (DEE42A). Also called: DEVELOPMENTAL AND EPILEPTIC ENCEPHALOPATHY 42A; EPILEPTIC ENCEPHALOPATHY, EARLY INFANTILE, 42A; Epileptic encephalopathy, early infantile, 42. Identifiers: MedGen C4310716, MONDO:0014917, OMIM 617106.

gnomAD v4.1: 4 of 1,613,498 alleles (0.00025%); highest among the groups gnomAD compares: East Asian, 0.0022%; no homozygotes.

Submission:

Labcorp Genetics (formerly Invitae), Labcorp
Classification: Uncertain significance for Developmental and epileptic encephalopathy, 42; Episodic ataxia type 2. Last evaluated: 2025-10-12. Review status: criteria provided, single submitter. Criteria: Invitae Variant Classification Sherloc (09022015). Collection method: clinical testing. Allele origin: germline.
Comment: This sequence change replaces glutamic acid, which is acidic and polar, with lysine, which is basic and polar, at codon 1838 of the CACNA1A protein (p.Glu1838Lys). This variant is not present in population databases (gnomAD no frequency). This variant has not been reported in the literature in individuals affected with CACNA1A-related conditions. ClinVar contains an entry for this variant (Variation ID: 842950). Invitae Evidence Modeling of protein sequence and biophysical properties (such as structural, functional, and spatial information, amino acid conservation, physicochemical variation, residue mobility, and thermodynamic stability) indicates that this missense variant is expected to disrupt CACNA1A protein function with a positive predictive value of 95%. In summary, the available evidence is currently insufficient to determine the role of this variant in disease. Therefore, it has been classified as a Variant of Uncertain Significance.